The following is an entry in ClinVar:

ClinVar aggregate classification (germline): Pathogenic (1 of 4 stars; one submission).

Conditions:
Familial intrahepatic cholestasis. Identifiers: Orphanet 284385, MedGen CN296401, MONDO:0017290.

Submission:

Genomenon, Inc
Classification: Pathogenic for Familial intrahepatic cholestasis. Last evaluated: 2026-04-14. Review status: criteria provided, single submitter. Criteria: Genomenon Sequence Variant Interpretation Standards - Updated. Collection method: curation. Allele origin: germline. Affected: yes.
Comment: ABCB4 p.Trp12ArgfsTer21 (c.33_48del) is a frameshift variant that results in the production of a truncated protein which may be subject to nonsense-mediated mRNA decay. This variant has been observed in at least one proband with an ABCB4-related disorder (PMID:38610052). It is absent or not present at a significant frequency in gnomAD. In conclusion, we classify ABCB4 p.Trp12ArgfsTer21 (c.33_48del) as a pathogenic variant.

Literature cited by the submitters: PubMed 38610052.

NM_000443.4(ABCB4):c.33_48del (p.Trp12fs)

Genes: ABCB4 (ATP binding cassette subfamily B member 4; minus strand), LOC129998756 (ATAC-STARR-seq lymphoblastoid silent region 18347; plus strand). Cytogenetic location: 7q21.12.
Variant type: Deletion.
Coding change: c.33_48del on transcript NM_000443.4 (MANE Select); coding-DNA positions 33 to 48, 16 bases deleted (CTGGCGCCCCACGAGC).
Protein change: p.Trp12fs; shifts the reading frame from tryptophan 12.
Molecular consequence: frameshift variant.
Genome position (GRCh38, 1-based): chr7:87,475,418-87,475,433, GCTCGTGGGGCGCCAG deleted on the plus strand (CTGGCGCCCCACGAGC on the coding strand, the reverse complement: ABCB4 is on the minus strand); deleting any 16 consecutive bases within chr7:87,475,418-87,475,436 gives the same sequence; the c. name uses the placement nearest the transcript's 3' end. VCF-style (leftmost placement, unchanged base first): chr7-87475417-CGCTCGTGGGGCGCCAG-C. GRCh37 (hg19) VCF-style: chr7-87104733-CGCTCGTGGGGCGCCAG-C.
Other names: c.33_48del, p.Trp12fs (NM_018849.3, NM_018850.3); short protein forms W12fs.
Identifiers: ClinVar variation 4846666 (VCV004846666.1).
Genomic context (GRCh38, chr7:87,475,417, plus strand): 5'-GGAAAAGCCAGTGGCTGCTGGGGATGTACCTGCTGATGCCCAGTTCAAAGTCGCCCTCCG[CGCTCGTGGGGCGCCAG>C]GCTGTTCCGTTCTTTGCCGCCTCAAGATCCATCTCAGCCTGAGGAGAAACCACAGCCTCA-3'